The following is an entry in ClinVar:

NM_001126108.2(SLC12A3):c.2648T>C (p.Leu883Pro)

Gene: SLC12A3 (solute carrier family 12 member 3; plus strand). Cytogenetic location: 16q13.
Variant type: single nucleotide variant.
Coding change: c.2648T>C on transcript NM_001126108.2 (MANE Select); coding-DNA position 2648, T replaced by C.
Protein change: p.Leu883Pro; replaces leucine 883 with proline.
Molecular consequence: missense variant.
Genome position (GRCh38, 1-based): chr16:56,899,544, T>C. VCF-style: chr16-56899544-T-C. GRCh37 (hg19) VCF-style: chr16-56933456-T-C.
Other names: c.2675T>C, p.Leu892Pro (NM_000339.3); c.2672T>C, p.Leu891Pro (NM_001126107.2); c.2645T>C, p.Leu882Pro (NM_001410896.1); short protein forms L882P, L883P, L891P, L892P.
Identifiers: ClinVar variation 3902429 (VCV003902429.2).
Genomic context (GRCh38, chr16:56,899,544, plus strand): 5'-GTCTCAAGAAAAAGTAATAACAATAAACCCTCCATGTGTCCTCCAGGATCATTTCTCTGC[T>C]GAGCAAGTTCCGACTGGGATTCCATGAAGTCCACATCCTCCCTGACATCAACCAGAACCC-3'
Protein context (NP_001119580.2, residues 873-893): DQERKAIISL[Leu883Pro]SKFRLGFHEV

ClinVar aggregate classification (germline): Conflicting classifications of pathogenicity. Review status: criteria provided, conflicting classifications (1 of 4 stars). 2 submissions from 2 submitters: Likely pathogenic (1); Uncertain significance (1). Last evaluated 2025-05-07.

Conditions:
Renal tubular acidosis. Identifiers: MedGen C0001126, MONDO:0001909, HP:0001947.

gnomAD v4.1: 2 of 1,613,854 alleles (0.00012%); highest among the groups gnomAD compares: Non-Finnish European, 0.00017%; no homozygotes.

Submissions (2):

Women's Health and Genetics/Laboratory Corporation of America, LabCorp
Classification: Uncertain significance. Last evaluated: 2025-05-07. Review status: criteria provided, single submitter. Criteria: LabCorp Variant Classification Summary - May 2015. Collection method: clinical testing. Allele origin: germline.
Comment: Variant summary: SLC12A3 c.2675T>C (p.Leu892Pro) results in a non-conservative amino acid change in the encoded protein sequence. Algorithms developed to predict the effect of missense changes on protein structure and function all suggest that this variant is likely to be disruptive. The variant was absent in 251480 control chromosomes (gnomAD). c.2675T>C has been observed in individuals affected with features of Familial Hypokalemia-Hypomagnesemia (e.g., Tseng_2012, Rao_2019, Ying_2023). These data indicate that the variant may be associated with disease. To our knowledge, no experimental evidence demonstrating an impact on protein function has been reported. The following publications have been ascertained in the context of this evaluation (PMID: 22679066, 31328266, 36562655). No submitters have cited clinical-significance assessments for this variant to ClinVar. Based on the evidence outlined above, the variant was classified as VUS-possibly pathogenic.

Cambridge Genomics Laboratory, East Genomic Laboratory Hub, NHS Genomic Medicine Service
Classification: Likely pathogenic for Renal tubular acidosis. Last evaluated: 2019-12-10. Review status: criteria provided, single submitter. Criteria: ACGS Best Practice Guidelines for Variant Classification in Rare Disease 2020. Collection method: clinical testing. Allele origin: germline. Affected: yes. Observed: 1 variant allele.

Literature cited by the submitters: PubMed 22679066 (cited by Women's Health and Genetics/Laboratory Corporation of America, LabCorp); PubMed 31328266 (cited by Women's Health and Genetics/Laboratory Corporation of America, LabCorp); PubMed 36562655 (cited by Women's Health and Genetics/Laboratory Corporation of America, LabCorp).